The following is an entry in ClinVar:

NM_032242.4(PLXNA1):c.86G>T (p.Gly29Val)

Gene: PLXNA1 (plexin A1; plus strand). Cytogenetic location: 3q21.3.
Variant type: single nucleotide variant.
Coding change: c.86G>T on transcript NM_032242.4 (MANE Select); coding-DNA position 86, G replaced by T.
Protein change: p.Gly29Val; replaces glycine 29 with valine.
Molecular consequence: missense variant.
Genome position (GRCh38, 1-based): chr3:126,988,679, G>T. VCF-style: chr3-126988679-G-T. GRCh37 (hg19) VCF-style: chr3-126707522-G-T.
Other names: short protein forms G29V.
Identifiers: ClinVar variation 4696051 (VCV004696051.1).

ClinVar aggregate classification (germline): Uncertain significance (1 of 4 stars; one submission).

gnomAD v4.1: 13 of 1,578,346 alleles (0.00082%); highest among the groups gnomAD compares: South Asian, 0.0012%; no homozygotes.

Submission:

Labcorp Genetics (formerly Invitae), Labcorp
Classification: Uncertain significance. Last evaluated: 2025-10-14. Review status: criteria provided, single submitter. Criteria: Invitae Variant Classification Sherloc (09022015). Collection method: clinical testing. Allele origin: germline.
Comment: This sequence change replaces glycine, which is neutral and non-polar, with valine, which is neutral and non-polar, at codon 29 of the PLXNA1 protein (p.Gly29Val). The frequency data for this variant in the population databases is considered unreliable, as metrics indicate poor data quality at this position in the gnomAD database. This variant has not been reported in the literature in individuals affected with PLXNA1-related conditions. An algorithm developed to predict the effect of missense changes on protein structure and function (PolyPhen-2) suggests that this variant is likely to be tolerated. In summary, the available evidence is currently insufficient to determine the role of this variant in disease. Therefore, it has been classified as a Variant of Uncertain Significance.